The following is an entry in ClinVar:

NM_000307.5(POU3F4):c.139C>T (p.Pro47Ser)

Gene: POU3F4 (POU class 3 homeobox 4; plus strand). Cytogenetic location: Xq21.1.
Variant type: single nucleotide variant.
Coding change: c.139C>T on transcript NM_000307.5 (MANE Select); coding-DNA position 139, C replaced by T.
Protein change: p.Pro47Ser; replaces proline 47 with serine.
Molecular consequence: missense variant.
Genome position (GRCh38, 1-based): chrX:83,508,463, C>T. VCF-style: chrX-83508463-C-T. GRCh37 (hg19) VCF-style: chrX-82763471-C-T.
Other names: short protein forms P47S.
Identifiers: ClinVar variation 178629 (VCV000178629.23), dbSNP rs144417952, ClinGen allele CA182697.
Genomic context (GRCh38, chrX:83,508,463, plus strand): 5'-CAGGGGAGTCCTTTCCGCAACCCTCAGAAACTTCTCCAAAGTGATTACTTGCAGGGAGTT[C>T]CCAGCAATGGGCATCCCCTCGGGCATCACTGGGTGACCAGTCTGAGCGACGGGGGCCCAT-3'
Protein context (NP_000298.3, residues 37-57): LLQSDYLQGV[Pro47Ser]SNGHPLGHHW

ClinVar aggregate classification (germline): Benign/Likely benign. Review status: criteria provided, multiple submitters, no conflicts (2 of 4 stars). 7 submissions from 7 submitters: Benign (3); Likely benign (2). 2 of the submissions do not count toward it. Last evaluated 2026-01-15.

Conditions:
X-linked mixed hearing loss with perilymphatic gusher. Also called: Gusher syndrome; NANCE DEAFNESS; PERILYMPHATIC GUSHER-DEAFNESS SYNDROME; SENSORINEURAL DEAFNESS, PROFOUND, WITH OR WITHOUT A CONDUCTIVE COMPONENT, ASSOCIATED WITH A UNIQUE DEVELOPMENTAL ABNORMALITY OF THE EAR; Deafness, X-linked 2. Identifiers: Orphanet 383, MedGen C1844678, MONDO:0010576, OMIM 304400.
POU3F4-related disorder. Also called: POU3F4-related condition.

Allele frequency attached by ClinVar (database versions not stated): gnomAD exomes 0.00018 and 0.00041; ExAC 0.00074; 1000 Genomes Project 0.00106; gnomAD 0.00107 and 0.00110; 1000 Genomes Project 30x 0.00125; TOPMed 0.00126; ESP Exome Variant Server 0.00189.

Submissions (7):

Labcorp Genetics (formerly Invitae), Labcorp
Classification: Benign. Last evaluated: 2026-01-15. Review status: criteria provided, single submitter. Criteria: Invitae Variant Classification Sherloc (09022015). Collection method: clinical testing. Allele origin: germline.

Blueprint Genetics
Classification: Likely benign. Last evaluated: 2024-02-15. Review status: criteria provided, single submitter. Criteria: ACMG Guidelines, 2015. Collection method: clinical testing. Allele origin: germline.

GeneDx
Classification: Benign. Last evaluated: 2019-03-05. Review status: criteria provided, single submitter. Criteria: GeneDx Variant Classification Process June 2021. Collection method: clinical testing. Allele origin: germline. Affected: yes.

Illumina Laboratory Services, Illumina
Classification: Benign for X-linked mixed hearing loss with perilymphatic gusher. Last evaluated: 2018-01-12. Review status: criteria provided, single submitter. Criteria: ICSL Variant Classification Criteria 13 December 2019. Collection method: clinical testing. Allele origin: germline.
Comment: This variant was observed in the ICSL laboratory as part of a predisposition screen in an ostensibly healthy population. It had not been previously curated by ICSL or reported in the Human Gene Mutation Database (HGMD: prior to June 1st, 2018), and was therefore a candidate for classification through an automated scoring system. Utilizing variant allele frequency, disease prevalence and penetrance estimates, and inheritance mode, an automated score was calculated to assess if this variant is too frequent to cause the disease. Based on the score and internal cut-off values, a variant classified as benign is not then subjected to further curation. The score for this variant resulted in a classification of benign for this disease.

Laboratory for Molecular Medicine, Mass General Brigham Personalized Medicine
Classification: Likely benign. Last evaluated: 2012-05-07. Review status: criteria provided, single submitter. Criteria: LMM Criteria. Collection method: clinical testing. Allele origin: germline. Observed: 2 variant alleles.
Comment: p.Pro47Ser in Exon 1 of POU3F4: This variant is not expected to have clinical si gnificance because it has been identified in 0.4% (14/3216) of African American chromosomes by the NHLBI Exome Sequencing Project (EVS; dbSNP rs144417952).

PreventionGenetics, part of Exact Sciences
Classification: Benign for POU3F4-related condition. Last evaluated: 2019-08-27. Review status: no assertion criteria provided. Collection method: clinical testing. Allele origin: germline. Not counted in ClinVar's aggregate classification.
Comment: This variant is classified as benign based on ACMG/AMP sequence variant interpretation guidelines (Richards et al. 2015 PMID: 25741868, with internal and published modifications).

Department of Pathology and Laboratory Medicine, Sinai Health System
Classification: Likely benign. Review status: no assertion criteria provided. Collection method: clinical testing. Allele origin: unknown. Affected: yes. Study: The Canadian Open Genetics Repository (COGR). Not counted in ClinVar's aggregate classification.
Comment: The POU3F4 p.Pro47Ser variant was not identified in the literature nor was it identified in LOVD 3.0. The variant was identified in dbSNP (ID: rs144417952) and ClinVar (classified as likely benign by Laboratory for Molecular Medicine and Illumina). The variant was also identified in control databases in 97 of 198285 chromosomes (26 hemizygous) at a frequency of 0.000489 (Genome Aggregation Database Feb 27, 2017). The variant was observed in the following populations: African in 76 of 18537 chromosomes (freq: 0.0041), Latino in 7 of 27514 chromosomes (freq: 0.000254) and European (non-Finnish) in 14 of 88908 chromosomes (freq: 0.000158), but was not observed in the Ashkenazi Jewish, East Asian, European (Finnish), Other or South Asian populations. The p.Pro47 residue is conserved in mammals and computational analyses (PolyPhen-2, SIFT, AlignGVGD, BLOSUM, MutationTaster) provide inconsistent predictions regarding the impact to the protein; this information is not very predictive of pathogenicity. The variant occurs outside of the splicing consensus sequence and in silico or computational prediction software programs (SpliceSiteFinder, MaxEntScan, NNSPLICE, GeneSplicer) do not predict a difference in splicing. In summary, based on the above information the clinical significance of this variant cannot be determined with certainty at this time although we would lean towards a more benign role for this variant. This variant is classified as likely benign.